The following is an entry in ClinVar:

NM_001184.4(ATR):c.3451G>T (p.Ala1151Ser)

Gene: ATR (ATR checkpoint kinase; minus strand). Cytogenetic location: 3q23.
Variant type: single nucleotide variant.
Coding change: c.3451G>T on transcript NM_001184.4 (MANE Select); coding-DNA position 3451, G replaced by T.
Protein change: p.Ala1151Ser; replaces alanine 1151 with serine.
Molecular consequence: missense variant.
Genome position (GRCh38, 1-based): chr3:142,541,034, C>A on the plus strand (G>T on the coding strand, the complement: ATR is on the minus strand). VCF-style: chr3-142541034-C-A. GRCh37 (hg19) VCF-style: chr3-142259876-C-A.
Other names: c.3259G>T, p.Ala1087Ser (NM_001354579.2); short protein forms A1087S, A1151S.
Identifiers: ClinVar variation 1714952 (VCV001714952.5), dbSNP rs2473328699, ClinGen allele CA354808029.

ClinVar aggregate classification (germline): Uncertain significance (1 of 4 stars; one submission).

Submission:

Labcorp Genetics (formerly Invitae), Labcorp
Classification: Uncertain significance. Last evaluated: 2024-04-23. Review status: criteria provided, single submitter. Criteria: Invitae Variant Classification Sherloc (09022015). Collection method: clinical testing. Allele origin: germline.
Comment: This sequence change replaces alanine, which is neutral and non-polar, with serine, which is neutral and polar, at codon 1151 of the ATR protein (p.Ala1151Ser). This variant is not present in population databases (gnomAD no frequency). This variant has not been reported in the literature in individuals affected with ATR-related conditions. ClinVar contains an entry for this variant (Variation ID: 1714952). An algorithm developed to predict the effect of missense changes on protein structure and function (PolyPhen-2) suggests that this variant is likely to be disruptive. Algorithms developed to predict the effect of sequence changes on RNA splicing suggest that this variant may disrupt the consensus splice site. In summary, the available evidence is currently insufficient to determine the role of this variant in disease. Therefore, it has been classified as a Variant of Uncertain Significance.